The following is an entry in ClinVar:

ClinVar aggregate classification (germline): Benign (0 of 4 stars; one submission).

Conditions:
SCRIB-related disorder. Also called: SCRIB-related condition.

Allele frequency attached by ClinVar (database versions not stated): ExAC 0.00169; ESP Exome Variant Server 0.00285; 1000 Genomes Project 0.00479; 1000 Genomes Project 30x 0.00500.

Submission:

PreventionGenetics, part of Exact Sciences
Classification: Benign for SCRIB-related condition. Last evaluated: 2019-10-28. Review status: no assertion criteria provided. Collection method: clinical testing. Allele origin: germline.
Comment: This variant is classified as benign based on ACMG/AMP sequence variant interpretation guidelines (Richards et al. 2015 PMID: 25741868, with internal and published modifications).

NM_182706.5(SCRIB):c.4212G>A (p.Leu1404=)

Gene: SCRIB (scribble planar cell polarity protein; minus strand). Cytogenetic location: 8q24.3.
Variant type: single nucleotide variant.
Coding change: c.4212G>A on transcript NM_182706.5 (MANE Select); coding-DNA position 4212, G replaced by A.
Protein change: p.Leu1404=; no amino-acid change (leucine 1404 retained).
Molecular consequence: synonymous variant.
Genome position (GRCh38, 1-based): chr8:143,792,601, C>T on the plus strand (G>A on the coding strand, the complement: SCRIB is on the minus strand). VCF-style: chr8-143792601-C-T. GRCh37 (hg19) VCF-style: chr8-144874771-C-T.
Other names: c.4212G>A, p.Leu1404= (NM_015356.5).
Identifiers: ClinVar variation 3039866 (VCV003039866.2), dbSNP rs115360394, ClinGen allele CA4918313.